The following is an entry in ClinVar:

NM_014000.3(VCL):c.1676C>A (p.Ala559Asp)

Gene: VCL (vinculin; plus strand). Cytogenetic location: 10q22.2.
Variant type: single nucleotide variant.
Coding change: c.1676C>A on transcript NM_014000.3 (MANE Select); coding-DNA position 1676, C replaced by A.
Protein change: p.Ala559Asp; replaces alanine 559 with aspartic acid.
Molecular consequence: missense variant.
Genome position (GRCh38, 1-based): chr10:74,095,788, C>A. VCF-style: chr10-74095788-C-A. GRCh37 (hg19) VCF-style: chr10-75855546-C-A.
Other names: c.1676C>A, p.Ala559Asp (NM_003373.4); short protein forms A559D.
Identifiers: ClinVar variation 3654957 (VCV003654957.3).

ClinVar aggregate classification (germline): Uncertain significance. Review status: criteria provided, multiple submitters, no conflicts (2 of 4 stars). 2 submissions from 2 submitters: Uncertain significance (2). Last evaluated 2024-02-03.

Conditions:
Dilated cardiomyopathy 1W (CMD1W). Identifiers: Orphanet 154, MedGen C1969639, MONDO:0012667, OMIM 611407.

Submissions (2):

Labcorp Genetics (formerly Invitae), Labcorp
Classification: Uncertain significance for Dilated cardiomyopathy 1W. Last evaluated: 2024-02-03. Review status: criteria provided, single submitter. Criteria: Invitae Variant Classification Sherloc (09022015). Collection method: clinical testing. Allele origin: germline.
Comment: This sequence change replaces alanine, which is neutral and non-polar, with aspartic acid, which is acidic and polar, at codon 559 of the VCL protein (p.Ala559Asp). This variant is not present in population databases (gnomAD no frequency). This variant has not been reported in the literature in individuals affected with VCL-related conditions. An algorithm developed to predict the effect of missense changes on protein structure and function (PolyPhen-2) suggests that this variant is likely to be disruptive. In summary, the available evidence is currently insufficient to determine the role of this variant in disease. Therefore, it has been classified as a Variant of Uncertain Significance.

Blueprint Genetics
Classification: Uncertain significance. Last evaluated: 2018-12-19. Review status: criteria provided, single submitter. Criteria: ACMG Guidelines, 2015. Collection method: clinical testing. Allele origin: germline.